The following is an entry in ClinVar:

ClinVar aggregate classification (germline): Benign/Likely benign. Review status: criteria provided, multiple submitters, no conflicts (2 of 4 stars). 10 submissions from 10 submitters: Benign (1); Likely benign (9). Last evaluated 2026-05-20.

Conditions:
NF1-related disorder. Also called: NF1-related condition. Identifiers: MedGen CN379171.
Hereditary cancer-predisposing syndrome. Also called: Tumor predisposition; Neoplastic Syndromes, Hereditary; Hereditary Cancer Syndrome; Hereditary neoplastic syndrome. Identifiers: Orphanet 140162, MedGen C0027672, MeSH D009386, MONDO:0015356.
Neurofibromatosis, type 1 (NF1). Also called: Peripheral type neurofibromatosis; Neurofibromatosis, type I; NEUROFIBROMATOSIS, TYPE I, SOMATIC; VON RECKLINGHAUSEN DISEASE. Identifiers: Orphanet 636, MedGen C0027831, MONDO:0018975, OMIM 162200. Disease mechanism: loss of function.
Café-au-lait macules with pulmonary stenosis (WTSN). Also called: PULMONIC STENOSIS WITH CAFE-AU-LAIT SPOTS. Identifiers: MedGen C0553586, MONDO:0008672, OMIM 193520.
Neurofibromatosis-Noonan syndrome (NFNS). Also called: NEUROFIBROMATOSIS WITH NOONAN PHENOTYPE. Identifiers: Orphanet 638, MedGen C2931482, MONDO:0011035, OMIM 601321. Disease mechanism: loss of function.
Neurofibromatosis, familial spinal (FSNF). Identifiers: Orphanet 636, MedGen C1834235, MONDO:0008078, OMIM 162210. Disease mechanism: loss of function.
Juvenile myelomonocytic leukemia (JMML). Also called: LEUKEMIA, JUVENILE MYELOMONOCYTIC, SOMATIC. Identifiers: Orphanet 86834, MedGen C0349639, MONDO:0011908, OMIM 607785, HP:0012209.

Allele frequency attached by ClinVar (database versions not stated): gnomAD below 0.00001 and 0.00001; TOPMed 0.00001.
gnomAD v4.1: 20 of 1,613,634 alleles (0.0012%); highest among the groups gnomAD compares: Admixed American, 0.005%; no homozygotes.

Submissions (10):

Myriad Genetics, Inc.
Classification: Benign for Neurofibromatosis, type 1. Last evaluated: 2026-05-20. Review status: criteria provided, single submitter. Criteria: Myriad Autosomal Dominant, Autosomal Recessive and X-Linked Classification Criteria (2023). Collection method: clinical testing. Allele origin: unknown.
Comment: This variant is considered benign. This variant is a silent/synonymous amino acid change and it is not expected to impact splicing.

Labcorp Genetics (formerly Invitae), Labcorp
Classification: Likely benign for Neurofibromatosis, type 1. Last evaluated: 2026-01-21. Review status: criteria provided, single submitter. Criteria: Invitae Variant Classification Sherloc (09022015). Collection method: clinical testing. Allele origin: germline.

PreventionGenetics, part of Exact Sciences
Classification: Likely benign for NF1-related condition. Last evaluated: 2024-10-13. Review status: criteria provided, single submitter. Criteria: ACMG Guidelines, 2015. Collection method: clinical testing. Allele origin: germline.
Comment: This variant is classified as likely benign based on ACMG/AMP sequence variant interpretation guidelines (Richards et al. 2015 PMID: 25741868, with internal and published modifications).

Blueprint Genetics
Classification: Likely benign. Last evaluated: 2024-05-23. Review status: criteria provided, single submitter. Criteria: ACMG Guidelines, 2015. Collection method: clinical testing. Allele origin: germline.

CeGaT Center for Human Genetics Tuebingen
Classification: Likely benign. Last evaluated: 2022-06-01. Review status: criteria provided, single submitter. Criteria: CeGaT Center For Human Genetics Tuebingen Variant Classification Criteria Version 2. Collection method: clinical testing. Allele origin: germline. Affected: yes. Observed: 1 variant allele.
Comment: NF1: BP4, BP7

Genome-Nilou Lab
Classification: Likely benign for Neurofibromatosis, type 1. Last evaluated: 2022-03-15. Review status: criteria provided, single submitter. Criteria: ACMG Guidelines, 2015. Collection method: clinical testing. Allele origin: germline. Affected: no.

Fulgent Genetics
Classification: Likely benign for Neurofibromatosis, type 1; Neurofibromatosis, familial spinal; Café-au-lait macules with pulmonary stenosis; Neurofibromatosis-Noonan syndrome; Juvenile myelomonocytic leukemia. Last evaluated: 2021-11-24. Review status: criteria provided, single submitter. Criteria: ACMG Guidelines, 2015. Collection method: clinical testing. Allele origin: unknown.

Sema4
Classification: Likely benign for Hereditary cancer-predisposing syndrome. Last evaluated: 2021-08-19. Review status: criteria provided, single submitter. Criteria: Sema4 Curation Guidelines. Collection method: curation. Allele origin: germline.

GeneDx
Classification: Likely benign. Last evaluated: 2018-02-19. Review status: criteria provided, single submitter. Criteria: GeneDx Variant Classification (06012015). Collection method: clinical testing. Allele origin: germline. Affected: yes.
Comment: This variant is considered likely benign or benign based on one or more of the following criteria: it is a conservative change, it occurs at a poorly conserved position in the protein, it is predicted to be benign by multiple in silico algorithms, and/or has population frequency not consistent with disease.

Ambry Genetics
Classification: Likely benign for Hereditary cancer-predisposing syndrome. Last evaluated: 2014-12-16. Review status: criteria provided, single submitter. Criteria: Ambry Autosomal Dominant and X-Linked criteria (10/2015). Collection method: clinical testing. Allele origin: germline. Observed: 1 variant allele.

NM_001042492.3(NF1):c.3375G>A (p.Ala1125=)

Gene: NF1 (neurofibromin 1; plus strand). Cytogenetic location: 17q11.2.
Variant type: single nucleotide variant.
Coding change: c.3375G>A on transcript NM_001042492.3 (MANE Select); coding-DNA position 3375, G replaced by A.
Protein change: p.Ala1125=; no amino-acid change (alanine 1125 retained).
Molecular consequence: synonymous variant.
Genome position (GRCh38, 1-based): chr17:31,232,760, G>A. VCF-style: chr17-31232760-G-A. GRCh37 (hg19) VCF-style: chr17-29559778-G-A.
Other names: c.3375G>A, p.Ala1125= (NM_000267.4).
Identifiers: ClinVar variation 186480 (VCV000186480.47), dbSNP rs112589561, ClinGen allele CA194945.